The following is an entry in ClinVar:

ClinVar aggregate classification (germline): Benign/Likely benign. Review status: criteria provided, multiple submitters, no conflicts (2 of 4 stars). 3 submissions from 3 submitters: Benign (2); Likely benign (1). Last evaluated 2026-01-15.

Conditions:
Cone-rod dystrophy 7 (CORD7). Identifiers: Orphanet 1872, MedGen C1863634, MONDO:0011355, OMIM 603649.

Allele frequency attached by ClinVar (database versions not stated): gnomAD exomes 0.00010 and 0.00036; gnomAD 0.00014 and 0.00018; TOPMed 0.00017; ExAC 0.00039; 1000 Genomes Project 30x 0.00109; 1000 Genomes Project 0.00120.
gnomAD v4.1: 180 of 1,594,988 alleles (0.011%); highest among the groups gnomAD compares: East Asian, 0.36%; 2 homozygotes.

Submissions (3):

Labcorp Genetics (formerly Invitae), Labcorp
Classification: Benign. Last evaluated: 2026-01-15. Review status: criteria provided, single submitter. Criteria: Invitae Variant Classification Sherloc (09022015). Collection method: clinical testing. Allele origin: germline.

Blueprint Genetics
Classification: Likely benign. Last evaluated: 2023-12-13. Review status: criteria provided, single submitter. Criteria: ACMG Guidelines, 2015. Collection method: clinical testing. Allele origin: germline.

Illumina Laboratory Services, Illumina
Classification: Benign for Cone-rod dystrophy 7. Last evaluated: 2018-01-12. Review status: criteria provided, single submitter. Criteria: ICSL Variant Classification Criteria 13 December 2019. Collection method: clinical testing. Allele origin: germline.
Comment: This variant was observed in the ICSL laboratory as part of a predisposition screen in an ostensibly healthy population. It had not been previously curated by ICSL or reported in the Human Gene Mutation Database (HGMD: prior to June 1st, 2018), and was therefore a candidate for classification through an automated scoring system. Utilizing variant allele frequency, disease prevalence and penetrance estimates, and inheritance mode, an automated score was calculated to assess if this variant is too frequent to cause the disease. Based on the score and internal cut-off values, a variant classified as benign is not then subjected to further curation. The score for this variant resulted in a classification of benign for this disease.

NM_014989.7(RIMS1):c.2242-12C>T

Gene: RIMS1 (regulating synaptic membrane exocytosis 1; plus strand). Cytogenetic location: 6q13.
Variant type: single nucleotide variant.
Coding change: c.2242-12C>T on transcript NM_014989.7 (MANE Select); 12 bases into the intron before coding-DNA position 2242, C replaced by T.
Molecular consequence: intron variant.
Genome position (GRCh38, 1-based): chr6:72,250,318, C>T. VCF-style: chr6-72250318-C-T. GRCh37 (hg19) VCF-style: chr6-72960021-C-T.
Other names: c.595-12C>T (NM_001350428.2, NM_001350459.2, NM_001350424.2 and 6 more transcripts); c.664-12C>T (NM_001350458.2, NM_001350433.2, NM_001350446.2 and 37 more transcripts); c.421-12C>T (NM_001350469.2, NM_001168409.2, NM_001350466.2 and 6 more transcripts); c.619-12C>T (NM_001350470.2, NM_001168410.2, NM_001350473.2 and 2 more transcripts).
Identifiers: ClinVar variation 908315 (VCV000908315.12), dbSNP rs190023733, ClinGen allele CA3885934.